The following is an entry in ClinVar:

NC_000018.9:g.(?_55225777)_(55226495_?)del

Gene: FECH (ferrochelatase; minus strand). Cytogenetic location: 18q21.31.
Variant type: Deletion.
Identifiers: ClinVar variation 2422454 (VCV002422454.4).

ClinVar aggregate classification (germline): Pathogenic (1 of 4 stars; one submission).

Submission:

Labcorp Genetics (formerly Invitae), Labcorp
Classification: Pathogenic. Last evaluated: 2022-01-17. Review status: criteria provided, single submitter. Criteria: Invitae Variant Classification Sherloc (09022015). Collection method: clinical testing. Allele origin: germline.
Comment: This variant is a gross deletion of the genomic region encompassing exon(s) 7 of the FECH gene. This variant would be expected to be in-frame, preserving the integrity of the reading frame. This variant has not been reported in the literature in individuals affected with FECH-related conditions. For these reasons, this variant has been classified as Pathogenic. This variant disrupts a region of the FECH protein in which other variant(s) (p.Phe260Leu) have been determined to be pathogenic (PMID: 15286165, 27507172). This suggests that this is a clinically significant region of the protein, and that variants that disrupt it are likely to be disease-causing.

Literature cited by the submitters: PubMed 15286165; PubMed 27507172.